The following is an entry in ClinVar:

ClinVar aggregate classification (germline): Pathogenic. Review status: criteria provided, multiple submitters, no conflicts (2 of 4 stars). 6 submissions from 6 submitters: Pathogenic (5). 1 of the submissions does not count toward it. Last evaluated 2025-12-23.

Conditions:
FUS-related disorder. Also called: FUS-related condition.
Amyotrophic lateral sclerosis type 6. Also called: FUS-Related Amyotrophic Laterial Sclerosis; Amyotrophic lateral sclerosis 6, with or without frontotemporal dementia; AMYOTROPHIC LATERAL SCLEROSIS 6 WITHOUT FRONTOTEMPORAL DEMENTIA. Identifiers: Orphanet 275872, Orphanet 803, MedGen C2931786, MONDO:0011951, OMIM 608030.
Tremor, hereditary essential, 4 (ETM4). Identifiers: MedGen C3539195, MONDO:0013888, OMIM 614782.

Submissions (6):

PreventionGenetics, part of Exact Sciences
Classification: Pathogenic for FUS-related condition. Last evaluated: 2025-12-23. Review status: criteria provided, single submitter. Criteria: ACMG Guidelines, 2015. Collection method: clinical testing. Allele origin: germline.
Comment: The FUS c.1561C>G variant is predicted to result in the amino acid substitution p.Arg521Gly. This variant has been reported in several unrelated individuals with amyotrophic lateral sclerosis (ALS, Kwiatkowski et al. 2009. PubMed ID: 19251627; Yan et al. 2010. PubMed ID: 20668259; Ungaro et al. 2020. PubMed ID: 32951934). A mouse model of the p.Arg521Gly resulted in severe motor deficits mimicking human disease (Sephton et al. 2014. PubMed ID: 25324524). This variant is located within the conserved C-terminal region of FUS, where missense change is not expected to be tolerated and is considered a hot spot for ALS-causing variants (Lattante et al. 2013. PubMed ID: 23559573). Different missense variants in the same codon (p.Arg521Ser, p.Arg521Cys, p.Arg521His, p.Arg521Leu) have been reported in individuals with ALS (Millecamps et al. 2010. PubMed ID: 20577002; Zou et al. 2012. PubMed ID: 22340366; Morgan et al. 2017. PubMed ID: 28430856). The c.1561C>G, p.Arg521Gly variant has not been reported in a large population database, indicating this variant is rare; and it has been consistently interpreted as pathogenic in the ClinVar database (Variation ID: 16222). Taken together, we interpret this variant as pathogenic.

3billion
Classification: Pathogenic for Amyotrophic lateral sclerosis type 6. Last evaluated: 2025-08-26. Review status: criteria provided, single submitter. Criteria: ACMG Guidelines, 2015. Collection method: clinical testing. Allele origin: germline. Affected: yes.
Comment: The variant is not observed in the gnomAD v4.1.0 dataset. Predicted Consequence/Location: Missense variant In silico tool predictions suggest damaging effect of the variant on gene or gene product [REVEL: 0.68 (>=0.6, sensitivity 0.68 and specificity 0.92); 3Cnet: 0.99 (> 0.75, sensitivity 0.96 and precision 0.92)]. The same nucleotide change resulting in the same amino acid change has been previously reported as pathogenic/likely pathogenic with strong evidence (ClinVar ID: VCV000016222 /PMID: 19251627). The variant has been observed in at least two similarly affected unrelated individuals (PMID: 19251627). Different missense changes at the same codon (p.Arg521Cys, p.Arg521His, p.Arg521Leu, p.Arg521Ser) have been reported as pathogenic/likely pathogenic with strong evidence (ClinVar ID: VCV000016224, VCV000016225, VCV000873232 /PMID: 19251627, 20577002 /3billion dataset). Therefore, this variant is classified as Pathogenic according to the recommendation of ACMG/AMP guideline.

Labcorp Genetics (formerly Invitae), Labcorp
Classification: Pathogenic for Tremor, hereditary essential, 4; Amyotrophic lateral sclerosis type 6. Last evaluated: 2024-07-30. Review status: criteria provided, single submitter. Criteria: Invitae Variant Classification Sherloc (09022015). Collection method: clinical testing. Allele origin: germline.
Comment: This sequence change replaces arginine, which is basic and polar, with glycine, which is neutral and non-polar, at codon 521 of the FUS protein (p.Arg521Gly). This variant is not present in population databases (gnomAD no frequency). This missense change has been observed in individuals with amyotrophic lateral sclerosis (PMID: 19251627, 22055719; Invitae). It has also been observed to segregate with disease in related individuals. ClinVar contains an entry for this variant (Variation ID: 16222). An algorithm developed to predict the effect of missense changes on protein structure and function (PolyPhen-2) suggests that this variant is likely to be disruptive. Experimental studies have shown that this missense change affects FUS function (PMID: 19251627, 20606625, 23577159, 24204307, 25324524). Algorithms developed to predict the effect of sequence changes on RNA splicing suggest that this variant may disrupt the consensus splice site. This variant disrupts the p.Arg521 amino acid residue in FUS. Other variant(s) that disrupt this residue have been observed in individuals with FUS-related conditions (PMID: 20577002, 20668259, 22055719, 24908169), which suggests that this may be a clinically significant amino acid residue. For these reasons, this variant has been classified as Pathogenic.

CeGaT Center for Human Genetics Tuebingen
Classification: Pathogenic. Last evaluated: 2023-08-01. Review status: criteria provided, single submitter. Criteria: CeGaT Center For Human Genetics Tuebingen Variant Classification Criteria Version 2. Collection method: clinical testing. Allele origin: germline. Affected: yes. Observed: 1 variant allele.
Comment: FUS: PP1:Strong, PM1, PM2, PM5, PS4:Moderate, PP4, PS3:Supporting

Athena Diagnostics
Classification: Pathogenic. Last evaluated: 2022-01-07. Review status: criteria provided, single submitter. Criteria: Athena Diagnostics Criteria. Collection method: clinical testing. Allele origin: unknown.
Comment: This variant has not been reported in large, multi-ethnic general populations.) This variant has been identified in multiple unrelated individuals with clinical features associated with this gene and appears to be associated with disease in at least one family. Assessment of experimental evidence suggests this variant results in abnormal protein function. This variant was shown to interfere with cellular localization of the protein (PMID: 20606625, 20674093, 21965298).

OMIM
Classification: Pathogenic for AMYOTROPHIC LATERAL SCLEROSIS 6 WITHOUT FRONTOTEMPORAL DEMENTIA. Last evaluated: 2009-02-27. Review status: no assertion criteria provided. Collection method: literature only. Allele origin: germline. Not counted in ClinVar's aggregate classification.

Literature cited by the submitters: PubMed 19251627 (cited by 4 submitters); PubMed 22055719 (cited by Labcorp Genetics (formerly Invitae), Labcorp and Athena Diagnostics); PubMed 20606625 (cited by Labcorp Genetics (formerly Invitae), Labcorp and Athena Diagnostics); PubMed 23577159 (cited by Labcorp Genetics (formerly Invitae), Labcorp and Athena Diagnostics); PubMed 24204307 (cited by Labcorp Genetics (formerly Invitae), Labcorp and Athena Diagnostics); PubMed 25324524 (cited by Labcorp Genetics (formerly Invitae), Labcorp and Athena Diagnostics); PubMed 20577002 (cited by Labcorp Genetics (formerly Invitae), Labcorp); PubMed 20668259 (cited by Labcorp Genetics (formerly Invitae), Labcorp and Athena Diagnostics); PubMed 24908169 (cited by Labcorp Genetics (formerly Invitae), Labcorp); PubMed 23834335 (cited by Athena Diagnostics); PubMed 21949354 (cited by Athena Diagnostics); PubMed 21965298 (cited by Athena Diagnostics); PubMed 32951934 (cited by Athena Diagnostics); PubMed 33082139 (cited by Athena Diagnostics); PubMed 32116048 (cited by Athena Diagnostics); PubMed 24575823 (cited by Athena Diagnostics); PubMed 19741215 (cited by Athena Diagnostics); PubMed 20674093 (cited by Athena Diagnostics); PubMed 20699327 (cited by Athena Diagnostics); PubMed 23046859 (cited by Athena Diagnostics); PubMed 22292843 (cited by Athena Diagnostics); PubMed 12858291 (cited by OMIM).

NM_004960.4(FUS):c.1561C>G (p.Arg521Gly)

Gene: FUS (FUS DNA/RNA binding protein; plus strand). Cytogenetic location: 16p11.2.
Variant type: single nucleotide variant.
Coding change: c.1561C>G on transcript NM_004960.4 (MANE Select); coding-DNA position 1561, C replaced by G.
Protein change: p.Arg521Gly; replaces arginine 521 with glycine.
Molecular consequence: missense variant. On other transcripts: non-coding transcript variant (1).
Genome position (GRCh38, 1-based): chr16:31,191,418, C>G. VCF-style: chr16-31191418-C-G. GRCh37 (hg19) VCF-style: chr16-31202739-C-G.
Other names: c.1558C>G, p.Arg520Gly (NM_001170634.1); c.1549C>G, p.Arg517Gly (NM_001170937.1); short protein forms R521G, R520G, R517G.
Identifiers: ClinVar variation 16222 (VCV000016222.37), dbSNP rs121909668, ClinGen allele CA257437.